The following is an entry in ClinVar:

ClinVar aggregate classification (germline): Benign/Likely benign. Review status: criteria provided, multiple submitters, no conflicts (2 of 4 stars). 3 submissions from 3 submitters: Benign (1); Likely benign (2). Last evaluated 2024-06-25.

Conditions:
Hereditary cancer-predisposing syndrome. Also called: Tumor predisposition; Hereditary neoplastic syndrome; Neoplastic Syndromes, Hereditary; Hereditary Cancer Syndrome. Identifiers: Orphanet 140162, MedGen C0027672, MeSH D009386, MONDO:0015356.
Oligodontia-cancer predisposition syndrome. Also called: TOOTH AGENESIS-COLORECTAL CANCER SYNDROME. Identifiers: Orphanet 300576, MedGen C1837750, MONDO:0012075, OMIM 608615. Disease mechanism: loss of function.

Allele frequency attached by ClinVar (database versions not stated): gnomAD exomes below 0.00001.
gnomAD v4.1: 2 of 1,613,666 alleles (0.00012%); highest among the groups gnomAD compares: Non-Finnish European, 0.00017%; no homozygotes.

Submissions (3):

Myriad Genetics, Inc.
Classification: Benign for Oligodontia-cancer predisposition syndrome. Last evaluated: 2024-06-25. Review status: criteria provided, single submitter. Criteria: Myriad Autosomal Dominant, Autosomal Recessive and X-Linked Classification Criteria (2023). Collection method: clinical testing. Allele origin: unknown.
Comment: This variant is considered benign. This variant is a silent/synonymous amino acid change and it is not expected to impact splicing.

Labcorp Genetics (formerly Invitae), Labcorp
Classification: Likely benign for Oligodontia-cancer predisposition syndrome. Last evaluated: 2024-04-04. Review status: criteria provided, single submitter. Criteria: Invitae Variant Classification Sherloc (09022015). Collection method: clinical testing. Allele origin: germline.

Ambry Genetics
Classification: Likely benign for Hereditary cancer-predisposing syndrome. Last evaluated: 2022-05-25. Review status: criteria provided, single submitter. Criteria: Ambry Variant Classification Scheme 2023. Collection method: clinical testing. Allele origin: germline.

NM_004655.4(AXIN2):c.105G>T (p.Pro35=)

Gene: AXIN2 (axin 2; minus strand). Cytogenetic location: 17q24.1.
Variant type: single nucleotide variant.
Coding change: c.105G>T on transcript NM_004655.4 (MANE Select); coding-DNA position 105, G replaced by T.
Protein change: p.Pro35=; no amino-acid change (proline 35 retained).
Molecular consequence: synonymous variant.
Genome position (GRCh38, 1-based): chr17:65,558,516, C>A on the plus strand (G>T on the coding strand, the complement: AXIN2 is on the minus strand). VCF-style: chr17-65558516-C-A. GRCh37 (hg19) VCF-style: chr17-63554634-C-A.
Other names: c.105G>T, p.Pro35= (NM_001363813.1).
Identifiers: ClinVar variation 1077898 (VCV001077898.12), dbSNP rs1060504491, ClinGen allele CA501691597.